The following is an entry in ClinVar:

NM_001040108.2(MLH3):c.3155T>C (p.Leu1052Pro)

Gene: MLH3 (mutL homolog 3; minus strand). Cytogenetic location: 14q24.3.
Variant type: single nucleotide variant.
Coding change: c.3155T>C on transcript NM_001040108.2 (MANE Select); coding-DNA position 3155, T replaced by C.
Protein change: p.Leu1052Pro; replaces leucine 1052 with proline.
Molecular consequence: missense variant.
Genome position (GRCh38, 1-based): chr14:75,046,501, A>G on the plus strand (T>C on the coding strand, the complement: MLH3 is on the minus strand). VCF-style: chr14-75046501-A-G. GRCh37 (hg19) VCF-style: chr14-75513204-A-G.
Other names: c.3155T>C, p.Leu1052Pro (NM_014381.3); short protein forms L1052P.
Identifiers: ClinVar variation 4826064 (VCV004826064.1).

ClinVar aggregate classification (germline): Uncertain significance (1 of 4 stars; one submission).

Submission:

Ambry Genetics
Classification: Uncertain significance. Last evaluated: 2026-03-02. Review status: criteria provided, single submitter. Criteria: Ambry Variant Classification Scheme 2023. Collection method: clinical testing. Allele origin: germline.
Comment: The p.L1052P variant (also known as c.3155T>C), located in coding exon 1 of the MLH3 gene, results from a T to C substitution at nucleotide position 3155. The leucine at codon 1052 is replaced by proline, an amino acid with similar properties. This amino acid position is conserved. In addition, this alteration is predicted to be deleterious by in silico analysis. Based on the available evidence, the clinical significance of this variant remains unclear.